The following is an entry in ClinVar:

ClinVar aggregate classification (germline): Pathogenic/Likely pathogenic. Review status: criteria provided, multiple submitters, no conflicts (2 of 4 stars). 4 submissions from 4 submitters: Pathogenic (2); Likely pathogenic (1). 1 of the submissions does not count toward it. Last evaluated 2025-11-13.

Conditions:
Hereditary insensitivity to pain with anhidrosis (CIPA). Also called: FAMILIAL DYSAUTONOMIA, TYPE II; INSENSITIVITY TO PAIN, CONGENITAL, WITH ANHIDROSIS; NTRK1 Congenital Insensitivity to Pain with Anhidrosis; NEUROPATHY, CONGENITAL SENSORY, WITH ANHIDROSIS; hereditary sensory and autonomic neuropathy type 4; HSAN Type IV. Identifiers: Orphanet 642, MedGen C0020074, MONDO:0009746, OMIM 256800.

Allele frequency attached by ClinVar (database versions not stated): gnomAD exomes below 0.00001; ExAC 0.00001.

Submissions (4):

Natera, Inc.
Classification: Pathogenic for Hereditary insensitivity to pain with anhidrosis. Last evaluated: 2025-11-13. Review status: criteria provided, single submitter. Criteria: Natera Variant Classification Schema (03/2026). Collection method: clinical testing. Allele origin: germline.
Comment: The c.1178-1G>A variant in NTRK1 is a canonical splice acceptor site variant predicted to affect pre-mRNA splicing, which may result in an abnormal transcript and altered protein product. This variant is expected to result in nonsense mediated decay, truncation, or a dysfunctional protein product. This variant is rare in the general population with a frequency below the threshold expected for the associated phenotype(s). This variant has been observed in one or more individuals affected with the associated recessive disease, as either homozygous or compound heterozygous with a second variant (PMID: 11668614). Given the available evidence, this variant is classified as Pathogenic.

Labcorp Genetics (formerly Invitae), Labcorp
Classification: Pathogenic for Hereditary insensitivity to pain with anhidrosis. Last evaluated: 2024-10-16. Review status: criteria provided, single submitter. Criteria: Invitae Variant Classification Sherloc (09022015). Collection method: clinical testing. Allele origin: germline.
Comment: This sequence change affects an acceptor splice site in intron 8 of the NTRK1 gene. It is expected to disrupt RNA splicing. Variants that disrupt the donor or acceptor splice site typically lead to a loss of protein function (PMID: 16199547), and loss-of-function variants in NTRK1 are known to be pathogenic (PMID: 10982191). This variant is present in population databases (rs764171953, gnomAD 0.003%). Disruption of this splice site has been observed in individual(s) with clinical features of NTRK1-related conditions (PMID: 11668614; internal data). In at least one individual the data is consistent with being in trans (on the opposite chromosome) from a pathogenic variant. This variant is also known as IVS9-1G>A. ClinVar contains an entry for this variant (Variation ID: 553221). Algorithms developed to predict the effect of sequence changes on RNA splicing suggest that this variant may disrupt the consensus splice site. For these reasons, this variant has been classified as Pathogenic.

Genome-Nilou Lab
Classification: Likely pathogenic for Hereditary insensitivity to pain with anhidrosis. Last evaluated: 2023-04-11. Review status: criteria provided, single submitter. Criteria: ACMG Guidelines, 2015. Collection method: clinical testing. Allele origin: germline. Affected: no.

Counsyl
Classification: Likely pathogenic for Hereditary insensitivity to pain with anhidrosis. Last evaluated: 2017-08-08. Review status: no assertion criteria provided. Collection method: clinical testing. Allele origin: unknown. Not counted in ClinVar's aggregate classification.

Literature cited by the submitters: PubMed 11668614 (cited by 3 submitters); PubMed 16199547 (cited by Labcorp Genetics (formerly Invitae), Labcorp); PubMed 10982191 (cited by Labcorp Genetics (formerly Invitae), Labcorp).

NM_002529.4(NTRK1):c.1196-1G>A

Gene: NTRK1 (neurotrophic receptor tyrosine kinase 1; plus strand). Cytogenetic location: 1q23.1.
Variant type: single nucleotide variant.
Coding change: c.1196-1G>A on transcript NM_002529.4 (MANE Select); the canonical splice acceptor site of the intron before coding-DNA position 1196, G replaced by A.
Molecular consequence: splice acceptor variant.
Genome position (GRCh38, 1-based): chr1:156,874,570, G>A. VCF-style: chr1-156874570-G-A. GRCh37 (hg19) VCF-style: chr1-156844362-G-A.
Other names: c.1088-1G>A (NM_001007792.1); c.1178-1G>A (NM_001012331.2, NM_001012331.1).
Identifiers: ClinVar variation 553221 (VCV000553221.9), dbSNP rs764171953, ClinGen allele CA1169244.